The following is an entry in ClinVar:

NM_001042681.2(RERE):c.718G>T (p.Ala240Ser)

Gene: RERE (arginine-glutamic acid dipeptide repeats; minus strand). Cytogenetic location: 1p36.23.
Variant type: single nucleotide variant.
Coding change: c.718G>T on transcript NM_001042681.2 (MANE Select); coding-DNA position 718, G replaced by T.
Protein change: p.Ala240Ser; replaces alanine 240 with serine.
Molecular consequence: missense variant.
Genome position (GRCh38, 1-based): chr1:8,556,482, C>A on the plus strand (G>T on the coding strand, the complement: RERE is on the minus strand). VCF-style: chr1-8556482-C-A. GRCh37 (hg19) VCF-style: chr1-8616541-C-A.
Other names: c.718G>T, p.Ala240Ser (NM_012102.4); short protein forms A240S.
Identifiers: ClinVar variation 5028138 (VCV005028138.1).

ClinVar aggregate classification (germline): Uncertain significance (1 of 4 stars; one submission).

Conditions:
Inborn genetic diseases. Identifiers: MedGen C0950123, MeSH D030342.

gnomAD v4.1: 1 of 1,594,394 alleles (0.000063%); highest among the groups gnomAD compares: Non-Finnish European, 0.000086%; no homozygotes.

Submission:

Ambry Genetics
Classification: Uncertain significance for Inborn genetic diseases. Last evaluated: 2026-08-31. Review status: criteria provided, single submitter. Criteria: Ambry Variant Classification Scheme 2023. Collection method: clinical testing. Allele origin: germline.
Comment: The c.718G>T (p.A240S) alteration is located in exon 7 (coding exon 5) of the RERE gene. This alteration results from a G to T substitution at nucleotide position 718, causing the alanine (A) at amino acid position 240 to be replaced by a serine (S). Based on data from gnomAD, the T allele has an overall frequency of <0.001% (1/251344) total alleles studied. The highest observed frequency was 0.001% (1/113650) of European (non-Finnish) alleles. Based on insufficient or conflicting evidence, the clinical significance of this alteration remains unclear.